The following is an entry in ClinVar:

ClinVar aggregate classification (germline): Uncertain significance (1 of 4 stars; one submission).

Conditions:
Hereditary spastic paraplegia 11. Also called: Spastic Paraplegia 11; SPASTIC PARAPLEGIA, AUTOSOMAL RECESSIVE, COMPLICATED, WITH THIN CORPUS CALLOSUM; SPASTIC PARAPLEGIA, AUTOSOMAL RECESSIVE, WITH MENTAL IMPAIRMENT AND THIN CORPUS CALLOSUM; Spastic paraplegia, mental retardation and thin corpus callosum; Nakamura Osame syndrome; Autosomal recessive hereditary spastic paraplegia, mental impairment, and thin corpus callosum. Identifiers: Orphanet 2822, MedGen C1858479, MONDO:0011445, OMIM 604360.

Submission:

Labcorp Genetics (formerly Invitae), Labcorp
Classification: Uncertain significance for Hereditary spastic paraplegia 11. Last evaluated: 2021-05-07. Review status: criteria provided, single submitter. Criteria: Invitae Variant Classification Sherloc (09022015). Collection method: clinical testing. Allele origin: germline.
Comment: This variant is not present in population databases (ExAC no frequency). This sequence change results in a frameshift in the SPG11 gene (p.Gln2432Serfs*58). While this is not anticipated to result in nonsense mediated decay, it is expected to disrupt the last 12 amino acid(s) of the SPG11 protein and extend the protein by 45 additional amino acid residues. In summary, the available evidence is currently insufficient to determine the role of this variant in disease. Therefore, it has been classified as a Variant of Uncertain Significance. Experimental studies and prediction algorithms are not available or were not evaluated, and the functional significance of this variant is currently unknown. This variant has not been reported in the literature in individuals with SPG11-related conditions. ClinVar contains an entry for this variant (Variation ID: 1052353).

NM_025137.4(SPG11):c.7292dup (p.Gln2432fs)

Gene: SPG11 (SPG11 vesicle trafficking associated, spatacsin; minus strand). Cytogenetic location: 15q21.1.
Variant type: Duplication.
Coding change: c.7292dup on transcript NM_025137.4 (MANE Select); coding-DNA position 7292, one base duplicated (C; older notation c.7292dupC).
Protein change: p.Gln2432fs; shifts the reading frame from glutamine 2432.
Molecular consequence: frameshift variant.
Genome position (GRCh38, 1-based): chr15:44,563,161, G duplicated on the plus strand (C on the coding strand, the reverse complement: SPG11 is on the minus strand); the first of 3 consecutive G bases (chr15:44,563,161-44,563,163); duplicating any one gives the same sequence. VCF-style (leftmost placement, unchanged base first): chr15-44563160-A-AG. GRCh37 (hg19) VCF-style: chr15-44855358-A-AG.
Other names: c.6953dup, p.Gln2319fs (NM_001160227.2); short protein forms Q2319fs, Q2432fs.
Identifiers: ClinVar variation 1052353 (VCV001052353.6), dbSNP rs2140907988, ClinGen allele CA2499222941.
Genomic context (GRCh38, chr15:44,563,160, plus strand): 5'-AACAGACACCTATGAAATCATCTAACCTGCTAGCATGTCCTTTAGACAGCAACCTGTCTG[A>AG]GGGTCCTTCAGAAGCACATTTACAATTTCATAAAACTTGTGTTCGTATGCCAACTTGTAA-3'